The following is an entry in ClinVar:

NM_002268.5(KPNA4):c.115-3A>T

Gene: KPNA4 (karyopherin subunit alpha 4; minus strand). Cytogenetic location: 3q25.33.
Variant type: single nucleotide variant.
Coding change: c.115-3A>T on transcript NM_002268.5 (MANE Select); 3 bases into the intron before coding-DNA position 115, A replaced by T.
Molecular consequence: intron variant.
Genome position (GRCh38, 1-based): chr3:160,535,900, T>A on the plus strand (A>T on the coding strand, the complement: KPNA4 is on the minus strand). VCF-style: chr3-160535900-T-A. GRCh37 (hg19) VCF-style: chr3-160253688-T-A.
Other names: NC_000003.11:g.160253688T>A.
Identifiers: ClinVar variation 2654259 (VCV002654259.25), dbSNP rs1421471586, ClinGen allele CA901546777.

ClinVar aggregate classification (germline): Likely benign (1 of 4 stars; one submission).

Allele frequency attached by ClinVar (database versions not stated): gnomAD exomes 0.00003; gnomAD 0.00025.
gnomAD v4.1: 23 of 325,362 alleles (0.0071%); highest among the groups gnomAD compares: Admixed American, 0.026%; no homozygotes.

Submissions (11):

CeGaT Center for Human Genetics Tuebingen
Classification: Likely benign. Last evaluated: 2023-07-01. Review status: criteria provided, single submitter. Criteria: CeGaT Center For Human Genetics Tuebingen Variant Classification Criteria Version 2. Collection method: clinical testing. Allele origin: germline. Affected: yes. Observed: 1 variant allele.
Comment: KPNA4: BP4

Dr. Peter K. Rogan Lab, Western University
No classification provided (evidence only). Condition: Malignant tumor of urinary bladder. Review status: no classification provided. Collection method: in vitro. Allele origin: not applicable. Functional consequence: retained intron. Not counted in ClinVar's aggregate classification.

Dr. Peter K. Rogan Lab, Western University
No classification provided (evidence only). Condition: Lung cancer. Review status: no classification provided. Collection method: in vitro. Allele origin: not applicable. Functional consequence: retained intron. Not counted in ClinVar's aggregate classification.

Dr. Peter K. Rogan Lab, Western University
No classification provided (evidence only). Condition: Acute myeloid leukemia. Review status: no classification provided. Collection method: in vitro. Allele origin: not applicable. Functional consequence: retained intron. Not counted in ClinVar's aggregate classification.

Dr. Peter K. Rogan Lab, Western University
No classification provided (evidence only). Condition: Acute myeloid leukemia. Review status: no classification provided. Collection method: in vitro. Allele origin: not applicable. Functional consequence: retained intron. Not counted in ClinVar's aggregate classification.

Dr. Peter K. Rogan Lab, Western University
No classification provided (evidence only). Condition: Acute myeloid leukemia. Review status: no classification provided. Collection method: in vitro. Allele origin: not applicable. Functional consequence: retained intron. Not counted in ClinVar's aggregate classification.

Dr. Peter K. Rogan Lab, Western University
No classification provided (evidence only). Condition: Cholangiocarcinoma. Review status: no classification provided. Collection method: in vitro. Allele origin: not applicable. Functional consequence: retained intron. Not counted in ClinVar's aggregate classification.

Dr. Peter K. Rogan Lab, Western University
No classification provided (evidence only). Condition: Cholangiocarcinoma. Review status: no classification provided. Collection method: in vitro. Allele origin: not applicable. Functional consequence: retained intron. Not counted in ClinVar's aggregate classification.

Dr. Peter K. Rogan Lab, Western University
No classification provided (evidence only). Condition: Cholangiocarcinoma. Review status: no classification provided. Collection method: in vitro. Allele origin: not applicable. Functional consequence: retained intron. Not counted in ClinVar's aggregate classification.

Dr. Peter K. Rogan Lab, Western University
No classification provided (evidence only). Condition: Gastric cancer. Review status: no classification provided. Collection method: in vitro. Allele origin: not applicable. Functional consequence: retained intron. Not counted in ClinVar's aggregate classification.

Dr. Peter K. Rogan Lab, Western University
No classification provided (evidence only). Condition: Gastric cancer. Review status: no classification provided. Collection method: in vitro. Allele origin: not applicable. Functional consequence: retained intron. Not counted in ClinVar's aggregate classification.